The following is an entry in ClinVar:

NM_004523.4(KIF11):c.2022A>T (p.Glu674Asp)

Gene: KIF11 (kinesin family member 11; plus strand). Cytogenetic location: 10q23.33.
Variant type: single nucleotide variant.
Coding change: c.2022A>T on transcript NM_004523.4 (MANE Select); coding-DNA position 2022, A replaced by T.
Protein change: p.Glu674Asp; replaces glutamic acid 674 with aspartic acid.
Molecular consequence: missense variant.
Genome position (GRCh38, 1-based): chr10:92,637,407, A>T. VCF-style: chr10-92637407-A-T. GRCh37 (hg19) VCF-style: chr10-94397164-A-T.
Other names: short protein forms E674D.
Identifiers: ClinVar variation 1967552 (VCV001967552.5), dbSNP rs1471331012, ClinGen allele CA377593241.

ClinVar aggregate classification (germline): Uncertain significance (1 of 4 stars; one submission).

gnomAD v4.1: 1 of 1,580,244 alleles (0.000063%); highest among the groups gnomAD compares: Non-Finnish European, 0.000085%; no homozygotes.

Submission:

Labcorp Genetics (formerly Invitae), Labcorp
Classification: Uncertain significance. Last evaluated: 2022-10-17. Review status: criteria provided, single submitter. Criteria: Invitae Variant Classification Sherloc (09022015). Collection method: clinical testing. Allele origin: germline.
Comment: In summary, the available evidence is currently insufficient to determine the role of this variant in disease. Therefore, it has been classified as a Variant of Uncertain Significance. Advanced modeling of protein sequence and biophysical properties (such as structural, functional, and spatial information, amino acid conservation, physicochemical variation, residue mobility, and thermodynamic stability) performed at Invitae indicates that this missense variant is not expected to disrupt KIF11 protein function. This variant has not been reported in the literature in individuals affected with KIF11-related conditions. This variant is present in population databases (no rsID available, gnomAD 0.001%). This sequence change replaces glutamic acid, which is acidic and polar, with aspartic acid, which is acidic and polar, at codon 674 of the KIF11 protein (p.Glu674Asp).